The following is an entry in ClinVar:

NM_000138.5(FBN1):c.8545T>A (p.Tyr2849Asn)

Gene: FBN1 (fibrillin 1; minus strand). Cytogenetic location: 15q21.1.
Variant type: single nucleotide variant.
Coding change: c.8545T>A on transcript NM_000138.5 (MANE Select); coding-DNA position 8545, T replaced by A.
Protein change: p.Tyr2849Asn; replaces tyrosine 2849 with asparagine.
Molecular consequence: missense variant.
Genome position (GRCh38, 1-based): chr15:48,411,061, A>T on the plus strand (T>A on the coding strand, the complement: FBN1 is on the minus strand). VCF-style: chr15-48411061-A-T. GRCh37 (hg19) VCF-style: chr15-48703258-A-T.
Other names: short protein forms Y2849N.
Identifiers: ClinVar variation 921035 (VCV000921035.6), dbSNP rs2042856906, ClinGen allele CA392318584.
Genomic context (GRCh38, chr15:48,411,061, plus strand): 5'-AAACCTGGATTTTCATCTTCAGATTATCACCCAGTTCACCACTGAGGTAGTCTTTGTCAT[A>T]TTTGTCTTCTAGTTGGTTAAGTTCTTTCTTTTTATAAAGTGGAGTACTACTGATTTGTAA-3'
Protein context (NP_000129.3, residues 2839-2859): KKELNQLEDK[Tyr2849Asn]DKDYLSGELG

ClinVar aggregate classification (germline): Uncertain significance. Review status: criteria provided, multiple submitters, no conflicts (2 of 4 stars). 2 submissions from 2 submitters: Uncertain significance (2). Last evaluated 2024-09-04.

Conditions:
Familial thoracic aortic aneurysm and aortic dissection (TAAD). Also called: Thoracic aortic aneurysms and dissections. Identifiers: Orphanet 91387, MedGen C4707243, MONDO:0019625.

gnomAD v4.1: 2 of 1,613,822 alleles (0.00012%); no homozygotes.

Submissions (2):

Women's Health and Genetics/Laboratory Corporation of America, LabCorp
Classification: Uncertain significance. Last evaluated: 2024-09-04. Review status: criteria provided, single submitter. Criteria: LabCorp Variant Classification Summary - May 2015. Collection method: clinical testing. Allele origin: germline.
Comment: Variant summary: FBN1 c.8545T>A (p.Tyr2849Asn) results in a non-conservative amino acid change in the encoded protein sequence. Three of five in-silico tools predict a benign effect of the variant on protein function. The variant was absent in 251164 control chromosomes. The available data on variant occurrences in the general population are insufficient to allow any conclusion about variant significance. To our knowledge, no occurrence of c.8545T>A in individuals affected with Aortopathy and no experimental evidence demonstrating its impact on protein function have been reported. ClinVar contains an entry for this variant (Variation ID: 921035). Based on the evidence outlined above, the variant was classified as uncertain significance.

Color Diagnostics, LLC DBA Color Health
Classification: Uncertain significance for Familial thoracic aortic aneurysm and aortic dissection. Last evaluated: 2023-12-05. Review status: criteria provided, single submitter. Criteria: ACMG Guidelines, 2015. Collection method: clinical testing. Allele origin: germline.
Comment: This missense variant replaces tyrosine with asparagine at codon 2849 of the FBN1 protein. Computational prediction tools and conservation analyses suggest that this variant may not impact the protein function. Computational splicing tools suggest that this variant may not impact RNA splicing. To our knowledge, functional assays have not been performed for this variant nor has this variant been reported in individuals affected with cardiovascular disorders in the literature. This variant has not been identified in the general population by the Genome Aggregation Database (gnomAD). Available evidence is insufficient to determine the role of this variant in disease conclusively. Therefore, this variant is classified as a Variant of Uncertain Significance.